The following is an entry in ClinVar:

NM_001200.4(BMP2):c.482T>C (p.Leu161Ser)

Gene: BMP2 (bone morphogenetic protein 2; plus strand). Cytogenetic location: 20p12.3.
Variant type: single nucleotide variant.
Coding change: c.482T>C on transcript NM_001200.4 (MANE Select); coding-DNA position 482, T replaced by C.
Protein change: p.Leu161Ser; replaces leucine 161 with serine.
Molecular consequence: missense variant.
Genome position (GRCh38, 1-based): chr20:6,778,380, T>C. VCF-style: chr20-6778380-T-C. GRCh37 (hg19) VCF-style: chr20-6759027-T-C.
Other names: short protein forms L161S.
Identifiers: ClinVar variation 1038630 (VCV001038630.6), dbSNP rs34183594, ClinGen allele CA9758690.
Genomic context (GRCh38, chr20:6,778,380, plus strand): 5'-CGGAGGAGTTTATCACCTCAGCAGAGCTTCAGGTTTTCCGAGAACAGATGCAAGATGCTT[T>C]AGGAAACAATAGCAGTTTCCATCACCGAATTAATATTTATGAAATCATAAAACCTGCAAC-3'
Protein context (NP_001191.1, residues 151-171): QVFREQMQDA[Leu161Ser]GNNSSFHHRI

ClinVar aggregate classification (germline): Uncertain significance (1 of 4 stars; one submission).

Allele frequency attached by ClinVar (database versions not stated): gnomAD exomes 0.00003 and 0.00006; TOPMed 0.00005; ExAC 0.00007; gnomAD 0.00007 and 0.00012; ESP Exome Variant Server 0.00008; 1000 Genomes Project 30x 0.00016; 1000 Genomes Project 0.00020.
gnomAD v4.1: 73 of 1,614,178 alleles (0.0045%); highest among the groups gnomAD compares: East Asian, 0.04%; 1 homozygote.

Submission:

Labcorp Genetics (formerly Invitae), Labcorp
Classification: Uncertain significance. Last evaluated: 2024-12-15. Review status: criteria provided, single submitter. Criteria: Invitae Variant Classification Sherloc (09022015). Collection method: clinical testing. Allele origin: germline.
Comment: This sequence change replaces leucine, which is neutral and non-polar, with serine, which is neutral and polar, at codon 161 of the BMP2 protein (p.Leu161Ser). This variant is present in population databases (rs34183594, gnomAD 0.05%), including at least one homozygous and/or hemizygous individual. This variant has not been reported in the literature in individuals affected with BMP2-related conditions. ClinVar contains an entry for this variant (Variation ID: 1038630). An algorithm developed to predict the effect of missense changes on protein structure and function (PolyPhen-2) suggests that this variant is likely to be disruptive. In summary, the available evidence is currently insufficient to determine the role of this variant in disease. Therefore, it has been classified as a Variant of Uncertain Significance.